The following is an entry in ClinVar:

NM_001395414.1(MUC22):c.1302G>A (p.Ser434=)

Gene: MUC22 (mucin 22; plus strand). Cytogenetic location: 6p21.33.
Variant type: single nucleotide variant.
Coding change: c.1302G>A on transcript NM_001395414.1 (MANE Select); coding-DNA position 1302, G replaced by A.
Protein change: p.Ser434=; no amino-acid change (serine 434 retained).
Molecular consequence: synonymous variant.
Genome position (GRCh38, 1-based): chr6:31,026,733, G>A. VCF-style: chr6-31026733-G-A. GRCh37 (hg19) VCF-style: chr6-30994510-G-A.
Other names: c.1302G>A, p.Ser434= (NM_001198815.1); c.1311G>A, p.Ser437= (NM_001318484.1).
Identifiers: ClinVar variation 3770553 (VCV003770553.13).

ClinVar aggregate classification (germline): Likely benign (1 of 4 stars; one submission).

gnomAD v4.1: 38 of 1,477,676 alleles (0.0026%); highest among the groups gnomAD compares: South Asian, 0.0087%; 3 homozygotes.

Submission:

CeGaT Center for Human Genetics Tuebingen
Classification: Likely benign. Last evaluated: 2025-02-01. Review status: criteria provided, single submitter. Criteria: CeGaT Center For Human Genetics Tuebingen Variant Classification Criteria Version 2. Collection method: clinical testing. Allele origin: germline. Affected: yes. Observed: 1 variant allele.
Comment: MUC22: BP4, BP7